The following is an entry in ClinVar:

ClinVar aggregate classification (germline): Uncertain significance. Review status: criteria provided, multiple submitters, no conflicts (2 of 4 stars). 2 submissions from 2 submitters: Uncertain significance (2). Last evaluated 2025-07-22.

Allele frequency attached by ClinVar (database versions not stated): gnomAD exomes below 0.00001; gnomAD 0.00001.
gnomAD v4.1: 3 of 1,613,766 alleles (0.00019%); highest among the groups gnomAD compares: South Asian, 0.0011%; no homozygotes.

Submissions (2):

Women's Health and Genetics/Laboratory Corporation of America, LabCorp
Classification: Uncertain significance. Last evaluated: 2025-07-22. Review status: criteria provided, single submitter. Criteria: LabCorp Variant Classification Summary - May 2015. Collection method: clinical testing. Allele origin: germline.
Comment: Variant summary: TSFM c.191G>A (p.Cys64Tyr) results in a non-conservative amino acid change in the encoded protein sequence. Algorithms developed to predict the effect of missense changes on protein structure and function are either unavailable or do not agree on the potential impact of this missense change. The variant was absent in 251028 control chromosomes. c.191G>A has been observed in individuals with symptoms of Combined Oxidative Phosphorylation Deficiency 3 (Nogueira_2024). These data indicate that the variant may be associated with disease. To our knowledge, no experimental evidence demonstrating an impact on protein function has been reported. The following publication have been ascertained in the context of this evaluation (PMID: 38465286). ClinVar contains an entry for this variant (Variation ID: 1434299). Based on the evidence outlined above, the variant was classified as VUS-possibly pathogenic.

Labcorp Genetics (formerly Invitae), Labcorp
Classification: Uncertain significance. Last evaluated: 2021-08-11. Review status: criteria provided, single submitter. Criteria: Invitae Variant Classification Sherloc (09022015). Collection method: clinical testing. Allele origin: germline.
Comment: This sequence change replaces cysteine with tyrosine at codon 64 of the TSFM protein (p.Cys64Tyr). The cysteine residue is highly conserved and there is a large physicochemical difference between cysteine and tyrosine. This variant is not present in population databases (ExAC no frequency). This variant has not been reported in the literature in individuals affected with TSFM-related conditions. Algorithms developed to predict the effect of missense changes on protein structure and function (SIFT, PolyPhen-2, Align-GVGD) all suggest that this variant is likely to be disruptive. In summary, the available evidence is currently insufficient to determine the role of this variant in disease. Therefore, it has been classified as a Variant of Uncertain Significance.

Literature cited by the submitters: PubMed 38465286 (cited by Women's Health and Genetics/Laboratory Corporation of America, LabCorp).

NM_005726.6(TSFM):c.191G>A (p.Cys64Tyr)

Gene: TSFM (Ts translation elongation factor, mitochondrial; plus strand). Cytogenetic location: 12q14.1.
Variant type: single nucleotide variant.
Coding change: c.191G>A on transcript NM_005726.6 (MANE Select); coding-DNA position 191, G replaced by A.
Protein change: p.Cys64Tyr; replaces cysteine 64 with tyrosine.
Molecular consequence: missense variant.
Genome position (GRCh38, 1-based): chr12:57,783,243, G>A. VCF-style: chr12-57783243-G-A. GRCh37 (hg19) VCF-style: chr12-58177026-G-A.
Other names: c.191G>A, p.Cys64Tyr (NM_001172695.2, NM_001172696.2, NM_001172697.2); short protein forms C64Y.
Identifiers: ClinVar variation 1434299 (VCV001434299.5), dbSNP rs1259105949, ClinGen allele CA385523840.